The following is an entry in ClinVar:

NM_000551.4(VHL):c.1A>G (p.Met1Val)

Gene: VHL (von Hippel-Lindau tumor suppressor; plus strand). Cytogenetic location: 3p25.3.
Variant type: single nucleotide variant.
Coding change: c.1A>G on transcript NM_000551.4 (MANE Select); coding-DNA position 1, A replaced by G.
Protein change: p.Met1Val; changes the start codon (methionine 1).
Molecular consequence: missense variant, initiator codon variant.
Genome position (GRCh38, 1-based): chr3:10,141,848, A>G. VCF-style: chr3-10141848-A-G. GRCh37 (hg19) VCF-style: chr3-10183532-A-G.
Other names: c.1A>G, p.Met1Val (NM_001354723.2, NM_198156.3); short protein forms M1V.
Identifiers: ClinVar variation 548790 (VCV000548790.20), dbSNP rs1060503557, ClinGen allele CA351747010.

ClinVar aggregate classification (germline): Conflicting classifications of pathogenicity. Review status: criteria provided, conflicting classifications (1 of 4 stars). 5 submissions from 5 submitters: Likely pathogenic (1); Uncertain significance (3). 1 of the submissions does not count toward it. Last evaluated 2025-09-17.

Conditions:
Von Hippel-Lindau syndrome (VHLS). Also called: VHL syndrome; Von Hippel-Lindau; von Hippel–Lindau syndrome. Identifiers: Orphanet 892, MedGen C0019562, MONDO:0008667, OMIM 193300. Disease mechanism: loss of function.
Chuvash polycythemia. Also called: POLYCYTHEMIA, VHL-DEPENDENT. Identifiers: Orphanet 238557, MedGen C1837915, MONDO:0009892, OMIM 263400.
Hereditary cancer-predisposing syndrome. Also called: Neoplastic Syndromes, Hereditary; Hereditary neoplastic syndrome; Tumor predisposition; Hereditary Cancer Syndrome. Identifiers: Orphanet 140162, MedGen C0027672, MeSH D009386, MONDO:0015356.

Submissions (5):

Ambry Genetics
Classification: Uncertain significance for Hereditary cancer-predisposing syndrome. Last evaluated: 2025-09-17. Review status: criteria provided, single submitter. Criteria: Ambry Variant Classification Scheme 2023. Collection method: clinical testing. Allele origin: germline.
Comment: The p.M1? variant (also known as c.1A>G), located in coding exon 1 of the VHL gene, results from a A to G substitution at nucleotide position 1. This alters the methionine residue at the initiation codon. Variations that modify the initiation codon (ATG) are expected to result in either loss of translation initiation or N-terminal truncation, however there is an in-frame methionine 54 amino acids downstream which is reported to result in a biologically active isoform known as VHL19 (Iliopoulos O et al. Proc Natl Acad Sci USA.1998 Sep; 95(20):11661-6; Schoenfeld A et al. Proc Natl Acad Sci USA. 1998 Jul; 95(15):8817-22). This amino acid position is well conserved in available vertebrate species. Based on the available evidence, the clinical significance of this variant remains unclear.

Labcorp Genetics (formerly Invitae), Labcorp
Classification: Uncertain significance for Von Hippel-Lindau syndrome; Chuvash polycythemia. Last evaluated: 2024-08-08. Review status: criteria provided, single submitter. Criteria: Invitae Variant Classification Sherloc (09022015). Collection method: clinical testing. Allele origin: germline.
Comment: This sequence change affects the initiator methionine of the VHL mRNA. The next in-frame methionine is located at codon 54. It is unclear whether it will result in an absent or disrupted protein product because an in-frame methionine located at codon 54 has the potential to rescue this variant. This variant is not present in population databases (gnomAD no frequency). This variant has not been reported in the literature in individuals affected with VHL-related conditions. ClinVar contains an entry for this variant (Variation ID: 548790). Experimental studies and prediction algorithms are not available or were not evaluated, and the functional significance of this variant is currently unknown. Several studies have shown that the VHL protein created from a downstream methionine located at codon 54 is biologically active, and exhibits properties similar to the full-length, wild-type protein (PMID: 9671762, 9751722). In summary, the available evidence is currently insufficient to determine the role of this variant in disease. Therefore, it has been classified as a Variant of Uncertain Significance.

GeneDx
Classification: Uncertain significance. Last evaluated: 2023-03-26. Review status: criteria provided, single submitter. Criteria: GeneDx Variant Classification Process June 2021. Collection method: clinical testing. Allele origin: germline. Affected: yes.
Comment: Not observed at significant frequency in large population cohorts (gnomAD); Initiation codon variant in a gene for which loss of function is a known mechanism of disease but an alternate initiation codon at Met45 could serve as an in-frame site (Iliopulos et al., 1998; Schoenfeld et al., 1998; Blankenship et al., 1999); Has not been previously published as pathogenic or benign to our knowledge; This variant is associated with the following publications: (PMID: 27845047, 33087929, 9751722, 9671762, 10102622)

Revvity Omics, Revvity
Classification: Likely pathogenic. Last evaluated: 2019-10-28. Review status: criteria provided, single submitter. Criteria: ACMG Guidelines, 2015. Collection method: clinical testing. Allele origin: germline.

Counsyl
Classification: Uncertain significance for Von Hippel-Lindau syndrome. Last evaluated: 2017-09-06. Review status: no assertion criteria provided. Collection method: clinical testing. Allele origin: unknown. Not counted in ClinVar's aggregate classification.

Literature cited by the submitters: PubMed 9671762 (cited by Labcorp Genetics (formerly Invitae), Labcorp); PubMed 9751722 (cited by Labcorp Genetics (formerly Invitae), Labcorp).